The following is an entry in ClinVar:

NM_001148.6(ANK2):c.10049T>C (p.Val3350Ala)

Gene: ANK2 (ankyrin 2; plus strand). Cytogenetic location: 4q26.
Variant type: single nucleotide variant.
Coding change: c.10049T>C on transcript NM_001148.6 (MANE Select); coding-DNA position 10049, T replaced by C.
Protein change: p.Val3350Ala; replaces valine 3350 with alanine.
Molecular consequence: missense variant. On other transcripts: intron variant (68).
Genome position (GRCh38, 1-based): chr4:113,358,667, T>C. VCF-style: chr4-113358667-T-C. GRCh37 (hg19) VCF-style: chr4-114279823-T-C.
Other names: c.9815T>C, p.Val3272Ala (NM_001386142.1); c.6449T>C, p.Val2150Ala (NM_001386166.1); c.10190T>C, p.Val3397Ala (NM_001386174.1); c.10166T>C, p.Val3389Ala (NM_001386175.1); c.4412-2156T>C (NM_001386186.2, NM_001386148.2); c.4214-2156T>C (NM_001354269.3); c.4292-2156T>C (NM_001386187.2); c.4253-2156T>C (NM_001386147.1); and 35 more; short protein forms V2150A, V3272A, V3350A, V3389A, V3397A.
Identifiers: ClinVar variation 4874667 (VCV004874667.2).

ClinVar aggregate classification (germline): Uncertain significance (1 of 4 stars; one submission).

Submission:

CeGaT Center for Human Genetics Tuebingen
Classification: Uncertain significance. Last evaluated: 2026-04-01. Review status: criteria provided, single submitter. Criteria: CeGaT Center For Human Genetics Tuebingen Variant Classification Criteria Version 2. Collection method: clinical testing. Allele origin: germline. Affected: yes. Observed: 1 variant allele.
Comment: ANK2: PM2